The following is an entry in ClinVar:

NM_170606.3(KMT2C):c.4949C>G (p.Thr1650Ser)

Gene: KMT2C (lysine methyltransferase 2C; minus strand). Cytogenetic location: 7q36.1.
Variant type: single nucleotide variant.
Coding change: c.4949C>G on transcript NM_170606.3 (MANE Select); coding-DNA position 4949, C replaced by G.
Protein change: p.Thr1650Ser; replaces threonine 1650 with serine.
Molecular consequence: missense variant.
Genome position (GRCh38, 1-based): chr7:152,187,321, G>C on the plus strand (C>G on the coding strand, the complement: KMT2C is on the minus strand). VCF-style: chr7-152187321-G-C. GRCh37 (hg19) VCF-style: chr7-151884406-G-C.
Other names: short protein forms T1650S.
Identifiers: ClinVar variation 4975748 (VCV004975748.1).

ClinVar aggregate classification (germline): Uncertain significance (1 of 4 stars; one submission).

Submission:

GeneDx
Classification: Uncertain significance. Last evaluated: 2026-01-31. Review status: criteria provided, single submitter. Criteria: GeneDx Variant Classification Process June 2021. Collection method: clinical testing. Allele origin: germline.
Comment: Not observed at significant frequency in large population cohorts (gnomAD); In silico analysis supports that this missense variant has a deleterious effect on protein structure/function; Has not been previously published as pathogenic or benign to our knowledge